The following is an entry in ClinVar:

NM_020937.4(FANCM):c.2903A>G (p.Tyr968Cys)

Gene: FANCM (FA complementation group M; plus strand). Cytogenetic location: 14q21.2.
Variant type: single nucleotide variant.
Coding change: c.2903A>G on transcript NM_020937.4 (MANE Select); coding-DNA position 2903, A replaced by G.
Protein change: p.Tyr968Cys; replaces tyrosine 968 with cysteine.
Molecular consequence: missense variant.
Genome position (GRCh38, 1-based): chr14:45,175,657, A>G. VCF-style: chr14-45175657-A-G. GRCh37 (hg19) VCF-style: chr14-45644860-A-G.
Other names: c.2903A>G (LRG_502t1); c.2825A>G, p.Tyr942Cys (NM_001308133.2); short protein forms Y968C, Y942C.
Identifiers: ClinVar variation 646064 (VCV000646064.12), dbSNP rs752962214, ClinGen allele CA7169427.

ClinVar aggregate classification (germline): Uncertain significance. Review status: criteria provided, multiple submitters, no conflicts (2 of 4 stars). 2 submissions from 2 submitters: Uncertain significance (2). Last evaluated 2024-07-09.

Conditions:
Fanconi anemia (FA). Also called: Fanconi's anemia. Identifiers: Orphanet 84, MedGen C0015625, MeSH D005199, MONDO:0019391.

Allele frequency attached by ClinVar (database versions not stated): ExAC 0.00002; gnomAD 0.00002; gnomAD exomes 0.00002.
gnomAD v4.1: 27 of 1,613,148 alleles (0.0017%); highest among the groups gnomAD compares: Non-Finnish European, 0.0014%; no homozygotes.

Submissions (2):

GeneDx
Classification: Uncertain significance. Last evaluated: 2024-07-09. Review status: criteria provided, single submitter. Criteria: GeneDx Variant Classification Process June 2021. Collection method: clinical testing. Allele origin: germline. Affected: yes.
Comment: Not observed at significant frequency in large population cohorts (gnomAD); In silico analysis indicates that this missense variant does not alter protein structure/function; Observed in the germline of an individual with acute lymphoblastic leukemia undergoing whole exome sequencing (PMID: 35739278); This variant is associated with the following publications: (PMID: 35739278)

Labcorp Genetics (formerly Invitae), Labcorp
Classification: Uncertain significance for Fanconi anemia. Last evaluated: 2020-08-15. Review status: criteria provided, single submitter. Criteria: Invitae Variant Classification Sherloc (09022015). Collection method: clinical testing. Allele origin: germline.
Comment: This sequence change replaces tyrosine with cysteine at codon 968 of the FANCM protein (p.Tyr968Cys). The tyrosine residue is weakly conserved and there is a large physicochemical difference between tyrosine and cysteine. This variant is present in population databases (rs752962214, ExAC 0.02%). This variant has not been reported in the literature in individuals with FANCM-related disease. Algorithms developed to predict the effect of missense changes on protein structure and function output the following: SIFT: "Tolerated"; PolyPhen-2: "Benign"; Align-GVGD: "Class C0". The cysteine amino acid residue is found in multiple mammalian species, suggesting that this missense change does not adversely affect protein function. These predictions have not been confirmed by published functional studies and their clinical significance is uncertain. In summary, the available evidence is currently insufficient to determine the role of this variant in disease. Therefore, it has been classified as a Variant of Uncertain Significance.